The following is an entry in ClinVar:

ClinVar aggregate classification (germline): Likely benign. Review status: criteria provided, single submitter (1 of 4 stars). 2 submissions from 2 submitters: Likely benign (1). 1 of the submissions does not count toward it. Last evaluated 2020-10-05.

Conditions:
CAVIN4-related disorder. Also called: CAVIN4-related condition.

Allele frequency attached by ClinVar (database versions not stated): gnomAD exomes 0.00010 and 0.00023; ExAC 0.00035; 1000 Genomes Project 0.00080; 1000 Genomes Project 30x 0.00094; ESP Exome Variant Server 0.00108; gnomAD 0.00125 and 0.00133; TOPMed 0.00137.
gnomAD v4.1: 345 of 1,614,222 alleles (0.021%); highest among the groups gnomAD compares: African/African-American, 0.42%; no homozygotes.

Submissions (2):

GeneDx
Classification: Likely benign. Last evaluated: 2020-10-05. Review status: criteria provided, single submitter. Criteria: GeneDx Variant Classification Process June 2021. Collection method: clinical testing. Allele origin: germline. Affected: yes.

PreventionGenetics, part of Exact Sciences
Classification: Likely benign for CAVIN4-related condition. Last evaluated: 2020-09-24. Review status: no assertion criteria provided. Collection method: clinical testing. Allele origin: germline. Not counted in ClinVar's aggregate classification.
Comment: This variant is classified as likely benign based on ACMG/AMP sequence variant interpretation guidelines (Richards et al. 2015 PMID: 25741868, with internal and published modifications).

NM_001018116.2(CAVIN4):c.615A>G (p.Glu205=)

Gene: CAVIN4 (caveolae associated protein 4; plus strand). Cytogenetic location: 9q31.1.
Variant type: single nucleotide variant.
Coding change: c.615A>G on transcript NM_001018116.2 (MANE Select); coding-DNA position 615, A replaced by G.
Protein change: p.Glu205=; no amino-acid change (glutamic acid 205 retained).
Molecular consequence: synonymous variant.
Genome position (GRCh38, 1-based): chr9:100,585,971, A>G. VCF-style: chr9-100585971-A-G. GRCh37 (hg19) VCF-style: chr9-103348253-A-G.
Other names: c.615A>G, p.Glu205= (LRG_760t1).
Identifiers: ClinVar variation 506360 (VCV000506360.6), dbSNP rs145600587, ClinGen allele CA5160115.